The following is an entry in ClinVar:

ClinVar aggregate classification (germline): Uncertain significance (1 of 4 stars; one submission).

Allele frequency attached by ClinVar (database versions not stated): TOPMed 0.00002; gnomAD exomes 0.00001; gnomAD 0.00003.

Submission:

Labcorp Genetics (formerly Invitae), Labcorp
Classification: Uncertain significance. Last evaluated: 2025-03-11. Review status: criteria provided, single submitter. Criteria: Invitae Variant Classification Sherloc (09022015). Collection method: clinical testing. Allele origin: germline.
Comment: This sequence change replaces alanine, which is neutral and non-polar, with valine, which is neutral and non-polar, at codon 276 of the BRD4 protein (p.Ala276Val). The frequency data for this variant in the population databases is considered unreliable, as metrics indicate poor data quality at this position in the gnomAD database. This variant has not been reported in the literature in individuals affected with BRD4-related conditions. ClinVar contains an entry for this variant (Variation ID: 1978628). Invitae Evidence Modeling of protein sequence and biophysical properties (such as structural, functional, and spatial information, amino acid conservation, physicochemical variation, residue mobility, and thermodynamic stability) indicates that this missense variant is not expected to disrupt BRD4 protein function with a negative predictive value of 80%. In summary, the available evidence is currently insufficient to determine the role of this variant in disease. Therefore, it has been classified as a Variant of Uncertain Significance.

NM_001379291.1(BRD4):c.827C>T (p.Ala276Val)

Gene: BRD4 (bromodomain containing 4; minus strand). Cytogenetic location: 19p13.12.
Variant type: single nucleotide variant.
Coding change: c.827C>T on transcript NM_001379291.1 (MANE Select); coding-DNA position 827, C replaced by T.
Protein change: p.Ala276Val; replaces alanine 276 with valine.
Molecular consequence: missense variant.
Genome position (GRCh38, 1-based): chr19:15,265,376, G>A on the plus strand (C>T on the coding strand, the complement: BRD4 is on the minus strand). VCF-style: chr19-15265376-G-A. GRCh37 (hg19) VCF-style: chr19-15376187-G-A.
Other names: c.827C>T, p.Ala276Val (NM_001330384.2, NM_001379292.1, NM_014299.3 and 1 more transcripts); short protein forms A276V.
Identifiers: ClinVar variation 1978628 (VCV001978628.4), dbSNP rs1348283029, ClinGen allele CA404484874.